The following is an entry in ClinVar:

NM_000388.4(CASR):c.1378-1G>C

Gene: CASR (calcium sensing receptor; plus strand). Cytogenetic location: 3q21.1.
Variant type: single nucleotide variant.
Coding change: c.1378-1G>C on transcript NM_000388.4 (MANE Select); the canonical splice acceptor site of the intron before coding-DNA position 1378, G replaced by C.
Molecular consequence: splice acceptor variant.
Genome position (GRCh38, 1-based): chr3:122,275,811, G>C. VCF-style: chr3-122275811-G-C. GRCh37 (hg19) VCF-style: chr3-121994658-G-C.
Other names: c.1378-1G>C (NM_001178065.2).
Identifiers: ClinVar variation 1339690 (VCV001339690.6), dbSNP rs2074810403, ClinGen allele CA354154771.

ClinVar aggregate classification (germline): Likely pathogenic. Review status: criteria provided, multiple submitters, no conflicts (2 of 4 stars). 2 submissions from 2 submitters: Likely pathogenic (2). Last evaluated 2022-09-03.

Conditions:
Autosomal dominant hypocalcemia 1 (HYPOC1). Also called: HYPOCALCEMIA, FAMILIAL. Identifiers: MedGen C3715128, MONDO:0011013, OMIM 601198.
Familial hypocalciuric hypercalcemia (FHH). Also called: Familial benign hypercalcemia. Identifiers: Orphanet 405, MedGen C1809471, MONDO:0018458.

Allele frequency attached by ClinVar (database versions not stated): TOPMed below 0.00001.

Submissions (2):

Labcorp Genetics (formerly Invitae), Labcorp
Classification: Likely pathogenic for Familial hypocalciuric hypercalcemia; Autosomal dominant hypocalcemia 1. Last evaluated: 2022-09-03. Review status: criteria provided, single submitter. Criteria: Invitae Variant Classification Sherloc (09022015). Collection method: clinical testing. Allele origin: germline.
Comment: ClinVar contains an entry for this variant (Variation ID: 1339690). In summary, the currently available evidence indicates that the variant is pathogenic, but additional data are needed to prove that conclusively. Therefore, this variant has been classified as Likely Pathogenic. Algorithms developed to predict the effect of sequence changes on RNA splicing suggest that this variant may disrupt the consensus splice site. Disruption of this splice site has been observed in individual(s) with neonatal severe hyperparathyroidism (PMID: 29354167). This variant is not present in population databases (gnomAD no frequency). This sequence change affects an acceptor splice site in intron 4 of the CASR gene. It is expected to disrupt RNA splicing. Variants that disrupt the donor or acceptor splice site typically lead to a loss of protein function (PMID: 16199547), and loss-of-function variants in CASR are known to be pathogenic (PMID: 11807402, 14985373, 22422767).

Women's Health and Genetics/Laboratory Corporation of America, LabCorp
Classification: Likely pathogenic for Familial hypocalciuric hypercalcemia. Last evaluated: 2022-01-13. Review status: criteria provided, single submitter. Criteria: LabCorp Variant Classification Summary - May 2015. Collection method: clinical testing. Allele origin: germline.
Comment: Variant summary: CASR c.1378-1G>C is located in a canonical splice-site and is predicted to affect mRNA splicing resulting in a significantly altered protein due to either exon skipping, shortening, or inclusion of intronic material. Several computational tools predict a significant impact on normal splicing: Four predict the variant abolishes a 3' acceptor site with two of them also predicting the variant creates a cryptic exonic 3' acceptor site. However, these predictions have yet to be confirmed by functional studies. The variant was absent in 251008 control chromosomes (gnomAD). To our knowledge, no occurrence of c.1378-1G>C in individuals affected with Familial Hypocalciuric Hypercalcemia and no experimental evidence demonstrating its impact on protein function have been reported. No clinical diagnostic laboratories have submitted clinical-significance assessments for this variant to ClinVar after 2014. Based on the evidence outlined above, the variant was classified as likely pathogenic.

Literature cited by the submitters: PubMed 29354167 (cited by Labcorp Genetics (formerly Invitae), Labcorp); PubMed 16199547 (cited by Labcorp Genetics (formerly Invitae), Labcorp); PubMed 11807402 (cited by Labcorp Genetics (formerly Invitae), Labcorp); PubMed 14985373 (cited by Labcorp Genetics (formerly Invitae), Labcorp); PubMed 22422767 (cited by Labcorp Genetics (formerly Invitae), Labcorp).